The following is an entry in ClinVar:

ClinVar aggregate classification (germline): Likely benign. Review status: criteria provided, multiple submitters, no conflicts (2 of 4 stars). 3 submissions from 3 submitters: Likely benign (3). Last evaluated 2023-05-31.

Conditions:
Familial thoracic aortic aneurysm and aortic dissection (TAAD). Also called: Thoracic aortic aneurysms and dissections. Identifiers: Orphanet 91387, MedGen C4707243, MONDO:0019625.
Aortic aneurysm, familial thoracic 6 (AAT6). Also called: FAMILIAL THORACIC AORTIC ANEURYSM WITH LIVEDO RETICULARIS AND IRIS FLOCCULI. Identifiers: MedGen C2673186, MONDO:0012730, OMIM 611788.

Allele frequency attached by ClinVar (database versions not stated): gnomAD exomes below 0.00001; TOPMed below 0.00001.
gnomAD v4.1: 1 of 1,613,838 alleles (0.000062%); highest among the groups gnomAD compares: Non-Finnish European, 0.000085%; no homozygotes.

Submissions (3):

All of Us Research Program, National Institutes of Health
Classification: Likely benign for Familial thoracic aortic aneurysm and aortic dissection. Last evaluated: 2023-05-31. Review status: criteria provided, single submitter. Criteria: ACMG Guidelines, 2015. Collection method: clinical testing. Allele origin: germline. Inheritance: Autosomal dominant inheritance. Observed: 1 variant allele, 1 heterozygote.
Comment: This study involves interpretation of variants in research participants for the purpose of population health screening. Participant phenotype was not available at the time of variant classification. Additional details can be found in publication PMID: 35346344, PMCID: PMC8962531

Labcorp Genetics (formerly Invitae), Labcorp
Classification: Likely benign for Aortic aneurysm, familial thoracic 6. Last evaluated: 2022-11-03. Review status: criteria provided, single submitter. Criteria: Invitae Variant Classification Sherloc (09022015). Collection method: clinical testing. Allele origin: germline.

Color Diagnostics, LLC DBA Color Health
Classification: Likely benign for Familial thoracic aortic aneurysm and aortic dissection. Last evaluated: 2022-04-28. Review status: criteria provided, single submitter. Criteria: ACMG Guidelines, 2015. Collection method: clinical testing. Allele origin: germline.

NM_001613.4(ACTA2):c.204C>T (p.Thr68=)

Gene: ACTA2 (actin alpha 2, smooth muscle; minus strand). Cytogenetic location: 10q23.31.
Variant type: single nucleotide variant.
Coding change: c.204C>T on transcript NM_001613.4 (MANE Select); coding-DNA position 204, C replaced by T.
Protein change: p.Thr68=; no amino-acid change (threonine 68 retained).
Molecular consequence: synonymous variant. On other transcripts: intron variant (3).
Genome position (GRCh38, 1-based): chr10:88,947,312, G>A on the plus strand (C>T on the coding strand, the complement: ACTA2 is on the minus strand). VCF-style: chr10-88947312-G-A. GRCh37 (hg19) VCF-style: chr10-90707069-G-A.
Other names: c.204C>T, p.Thr68= (NM_001141945.3, NM_001320855.2, NM_001406462.1 and 4 more transcripts); c.129+1490C>T (NM_001406467.1, NM_001406468.1, NM_001406469.1).
Identifiers: ClinVar variation 1116577 (VCV001116577.13), dbSNP rs1350332195, ClinGen allele CA470736455.
Genomic context (GRCh38, chr10:88,947,312, plus strand): 5'-CCATACCTTTTCCATGTCGTCCCAGTTGGTGATGATGCCATGTTCTATCGGGTACTTCAG[G>A]GTCAGGATTCCTCTTTTGCTCTGTGCTTCGTCACCCACGTAGCTGTCTTTTTGTCCCATT-3'
Protein context (NP_001604.1, residues 58-78): DEAQSKRGIL[Thr68=]LKYPIEHGII